The following is an entry in ClinVar:

NM_032444.4(SLX4):c.3119C>T (p.Pro1040Leu)

Gene: SLX4 (SLX4 structure-specific endonuclease subunit; minus strand). Cytogenetic location: 16p13.3.
Variant type: single nucleotide variant.
Coding change: c.3119C>T on transcript NM_032444.4 (MANE Select); coding-DNA position 3119, C replaced by T.
Protein change: p.Pro1040Leu; replaces proline 1040 with leucine.
Molecular consequence: missense variant.
Genome position (GRCh38, 1-based): chr16:3,590,519, G>A on the plus strand (C>T on the coding strand, the complement: SLX4 is on the minus strand). VCF-style: chr16-3590519-G-A. GRCh37 (hg19) VCF-style: chr16-3640520-G-A.
Other names: short protein forms P1040L.
Identifiers: ClinVar variation 1319511 (VCV001319511.4), dbSNP rs1241618835, ClinGen allele CA394521926.

ClinVar aggregate classification (germline): Uncertain significance. Review status: criteria provided, multiple submitters, no conflicts (2 of 4 stars). 2 submissions from 2 submitters: Uncertain significance (2). Last evaluated 2025-09-23.

Conditions:
Fanconi anemia (FA). Also called: Fanconi's anemia. Identifiers: Orphanet 84, MedGen C0015625, MeSH D005199, MONDO:0019391.

Allele frequency attached by ClinVar (database versions not stated): TOPMed below 0.00001.

Submissions (2):

Labcorp Genetics (formerly Invitae), Labcorp
Classification: Uncertain significance for Fanconi anemia. Last evaluated: 2025-09-23. Review status: criteria provided, single submitter. Criteria: Invitae Variant Classification Sherloc (09022015). Collection method: clinical testing. Allele origin: germline.
Comment: This sequence change replaces proline, which is neutral and non-polar, with leucine, which is neutral and non-polar, at codon 1040 of the SLX4 protein (p.Pro1040Leu). This variant is not present in population databases (gnomAD no frequency). This variant has not been reported in the literature in individuals affected with SLX4-related conditions. ClinVar contains an entry for this variant (Variation ID: 1319511). An algorithm developed to predict the effect of missense changes on protein structure and function outputs the following: PolyPhen-2: "Benign". The leucine amino acid residue is found in multiple mammalian species, which suggests that this missense change does not adversely affect protein function. In summary, the available evidence is currently insufficient to determine the role of this variant in disease. Therefore, it has been classified as a Variant of Uncertain Significance.

Institute for Clinical Genetics, University Hospital TU Dresden, University Hospital TU Dresden
Classification: Uncertain significance. Last evaluated: 2021-11-03. Review status: criteria provided, single submitter. Criteria: ACMG Guidelines, 2015. Collection method: clinical testing. Allele origin: germline.